The following is an entry in ClinVar:

ClinVar aggregate classification (germline): Uncertain significance (1 of 4 stars; one submission).

Conditions:
Lethal multiple pterygium syndrome (LMPS). Identifiers: Orphanet 33108, MedGen C1854678, MONDO:0009668, OMIM 253290.

Submission:

Labcorp Genetics (formerly Invitae), Labcorp
Classification: Uncertain significance for Lethal multiple pterygium syndrome. Last evaluated: 2022-03-29. Review status: criteria provided, single submitter. Criteria: Invitae Variant Classification Sherloc (09022015). Collection method: clinical testing. Allele origin: germline.
Comment: Algorithms developed to predict the effect of missense changes on protein structure and function are either unavailable or do not agree on the potential impact of this missense change (SIFT: "Deleterious"; PolyPhen-2: "Probably Damaging"; Align-GVGD: "Class C0"). This variant has not been reported in the literature in individuals affected with CHRND-related conditions. This variant is not present in population databases (gnomAD no frequency). This sequence change replaces phenylalanine, which is neutral and non-polar, with serine, which is neutral and polar, at codon 147 of the CHRND protein (p.Phe147Ser). In summary, the available evidence is currently insufficient to determine the role of this variant in disease. Therefore, it has been classified as a Variant of Uncertain Significance.

NM_000751.3(CHRND):c.440T>C (p.Phe147Ser)

Gene: CHRND (cholinergic receptor nicotinic delta subunit; plus strand). Cytogenetic location: 2q37.1.
Variant type: single nucleotide variant.
Coding change: c.440T>C on transcript NM_000751.3 (MANE Select); coding-DNA position 440, T replaced by C.
Protein change: p.Phe147Ser; replaces phenylalanine 147 with serine.
Molecular consequence: missense variant.
Genome position (GRCh38, 1-based): chr2:232,528,587, T>C. VCF-style: chr2-232528587-T-C. GRCh37 (hg19) VCF-style: chr2-233393297-T-C.
Other names: c.395T>C, p.Phe132Ser (NM_001256657.2); c.169T>C, p.Ser57Pro (NM_001311195.2); c.137T>C, p.Phe46Ser (NM_001311196.2); short protein forms F46S, S57P, F132S, F147S.
Identifiers: ClinVar variation 2082832 (VCV002082832.4), dbSNP rs2469719229, ClinGen allele CA350998204.